The following is an entry in ClinVar:

NM_001286.5(CLCN6):c.2195T>C (p.Met732Thr)

Gene: CLCN6 (chloride voltage-gated channel 6; plus strand). Cytogenetic location: 1p36.22.
Variant type: single nucleotide variant.
Coding change: c.2195T>C on transcript NM_001286.5 (MANE Select); coding-DNA position 2195, T replaced by C.
Protein change: p.Met732Thr; replaces methionine 732 with threonine.
Molecular consequence: missense variant. On other transcripts: non-coding transcript variant (1).
Genome position (GRCh38, 1-based): chr1:11,837,399, T>C. VCF-style: chr1-11837399-T-C. GRCh37 (hg19) VCF-style: chr1-11897456-T-C.
Other names: c.2129T>C, p.Met710Thr (NM_001256959.2); short protein forms M732T, M710T.
Identifiers: ClinVar variation 2186846 (VCV002186846.4), dbSNP rs371058274, ClinGen allele CA18004277.

ClinVar aggregate classification (germline): Uncertain significance (1 of 4 stars; one submission).

Allele frequency attached by ClinVar (database versions not stated): gnomAD exomes below 0.00001; gnomAD 0.00003; TOPMed 0.00005; ESP Exome Variant Server 0.00008.
gnomAD v4.1: 6 of 1,614,030 alleles (0.00037%); highest among the groups gnomAD compares: African/African-American, 0.0067%; no homozygotes.

Submission:

Labcorp Genetics (formerly Invitae), Labcorp
Classification: Uncertain significance. Last evaluated: 2025-07-14. Review status: criteria provided, single submitter. Criteria: Invitae Variant Classification Sherloc (09022015). Collection method: clinical testing. Allele origin: germline.
Comment: This sequence change replaces methionine, which is neutral and non-polar, with threonine, which is neutral and polar, at codon 732 of the CLCN6 protein (p.Met732Thr). This variant is present in population databases (rs371058274, gnomAD 0.01%). This variant has not been reported in the literature in individuals affected with CLCN6-related conditions. ClinVar contains an entry for this variant (Variation ID: 2186846). An algorithm developed to predict the effect of missense changes on protein structure and function (PolyPhen-2) suggests that this variant is likely to be tolerated. In summary, the available evidence is currently insufficient to determine the role of this variant in disease. Therefore, it has been classified as a Variant of Uncertain Significance.